The following is an entry in ClinVar:

NM_032122.5(DTNBP1):c.811+15C>G

Gene: DTNBP1 (dystrobrevin binding protein 1; minus strand). Cytogenetic location: 6p22.3.
Variant type: single nucleotide variant.
Coding change: c.811+15C>G on transcript NM_032122.5 (MANE Select); 15 bases into the intron after coding-DNA position 811, C replaced by G.
Molecular consequence: intron variant. On other transcripts: missense variant (1), non-coding transcript variant (1).
Genome position (GRCh38, 1-based): chr6:15,524,511, G>C on the plus strand (C>G on the coding strand, the complement: DTNBP1 is on the minus strand). VCF-style: chr6-15524511-G-C. GRCh37 (hg19) VCF-style: chr6-15524742-G-C.
Other names: c.826C>G, p.Leu276Val (NM_183040.2); c.706+15C>G (NM_001271669.2); c.760+15C>G (NM_001271668.2); c.568+15C>G (NM_001271667.2); short protein forms L276V.
Identifiers: ClinVar variation 1326384 (VCV001326384.7), dbSNP rs146113366, ClinGen allele CA3643884.
Genomic context (GRCh38, chr6:15,524,511, plus strand): 5'-TCTCACGTCTCACCTTTGGAGGGGAGTGGCATCGATACTGCCCTGGTTCAGCTAATGCAA[G>C]TTTGTCAACCCTACCTAAGGCGGGGGACAGCACAGTGTTCTCTTCTCCTCCAGAGTTCAG-3'

ClinVar aggregate classification (germline): Conflicting classifications of pathogenicity. Review status: criteria provided, conflicting classifications (1 of 4 stars). 3 submissions from 3 submitters: Uncertain significance (1); Likely benign (2). Last evaluated 2025-09-05.

Allele frequency attached by ClinVar (database versions not stated): ExAC 0.00006; gnomAD exomes 0.00008; TOPMed 0.00009; gnomAD 0.00011; ESP Exome Variant Server 0.00015.
gnomAD v4.1: 405 of 1,608,514 alleles (0.025%); highest among the groups gnomAD compares: Non-Finnish European, 0.032%; 1 homozygote.

Submissions (3):

Labcorp Genetics (formerly Invitae), Labcorp
Classification: Likely benign. Last evaluated: 2025-09-05. Review status: criteria provided, single submitter. Criteria: Invitae Variant Classification Sherloc (09022015). Collection method: clinical testing. Allele origin: germline.

Blueprint Genetics
Classification: Likely benign. Last evaluated: 2024-09-18. Review status: criteria provided, single submitter. Criteria: ACMG Guidelines, 2015. Collection method: clinical testing. Allele origin: germline.

GeneDx
Classification: Uncertain significance. Last evaluated: 2021-04-27. Review status: criteria provided, single submitter. Criteria: GeneDx Variant Classification Process June 2021. Collection method: clinical testing. Allele origin: germline. Affected: yes.
Comment: Has not been previously published as pathogenic or benign to our knowledge; In silico analysis supports that this missense variant does not alter protein structure/function